The following is an entry in ClinVar:

NM_000059.4(BRCA2):c.7858G>T (p.Val2620Phe)

Gene: BRCA2 (BRCA2 DNA repair associated; plus strand). Cytogenetic location: 13q13.1.
Variant type: single nucleotide variant.
Coding change: c.7858G>T on transcript NM_000059.4 (MANE Select); coding-DNA position 7858, G replaced by T.
Protein change: p.Val2620Phe; replaces valine 2620 with phenylalanine.
Molecular consequence: missense variant. On other transcripts: non-coding transcript variant (1).
Genome position (GRCh38, 1-based): chr13:32,362,575, G>T. VCF-style: chr13-32362575-G-T. GRCh37 (hg19) VCF-style: chr13-32936712-G-T.
Other names: c.7762G>T, p.Val2588Phe (NM_001406719.1); c.7858G>T, p.Val2620Phe (NM_001406720.1); c.2926G>T, p.Val976Phe (NM_001406721.1); c.1441G>T, p.Val481Phe (NM_001406722.1); short protein forms V481F, V976F, V2588F, V2620F.
Identifiers: ClinVar variation 2565968 (VCV002565968.2), dbSNP rs2137576858, ClinGen allele CA387747064.

ClinVar aggregate classification (germline): Uncertain significance (1 of 4 stars; one submission).

Conditions:
Hereditary cancer-predisposing syndrome. Also called: Neoplastic Syndromes, Hereditary; Hereditary Cancer Syndrome; Hereditary neoplastic syndrome; Tumor predisposition. Identifiers: Orphanet 140162, MedGen C0027672, MeSH D009386, MONDO:0015356.

Submission:

Ambry Genetics
Classification: Uncertain significance for Hereditary cancer-predisposing syndrome. Last evaluated: 2023-03-22. Review status: criteria provided, single submitter. Criteria: Ambry Variant Classification Scheme 2023. Collection method: clinical testing. Allele origin: germline.
Comment: The p.V2620F variant (also known as c.7858G>T), located in coding exon 16 of the BRCA2 gene, results from a G to T substitution at nucleotide position 7858. The valine at codon 2620 is replaced by phenylalanine, an amino acid with highly similar properties. This amino acid position is conserved. In addition, this alteration is predicted to be deleterious by in silico analysis. Since supporting evidence is limited at this time, the clinical significance of this alteration remains unclear.